The following is an entry in ClinVar:

ClinVar aggregate classification (germline): Uncertain significance (1 of 4 stars; one submission).

Conditions:
Cardiovascular phenotype. Identifiers: MedGen CN230736.

gnomAD v4.1: 10 of 1,614,244 alleles (0.00062%); highest among the groups gnomAD compares: Non-Finnish European, 0.00076%; no homozygotes.

Submission:

Ambry Genetics
Classification: Uncertain significance for Cardiovascular phenotype. Last evaluated: 2025-05-18. Review status: criteria provided, single submitter. Criteria: Ambry Variant Classification Scheme 2023. Collection method: clinical testing. Allele origin: germline.
Comment: The p.D1190N variant (also known as c.3568G>A), located in coding exon 20 of the SCN10A gene, results from a G to A substitution at nucleotide position 3568. The aspartic acid at codon 1190 is replaced by asparagine, an amino acid with highly similar properties. This amino acid position is conserved. In addition, the in silico prediction for this alteration is inconclusive. Based on the available evidence, the clinical significance of this variant remains unclear.

NM_006514.4(SCN10A):c.3568G>A (p.Asp1190Asn)

Gene: SCN10A (sodium voltage-gated channel alpha subunit 10; minus strand). Cytogenetic location: 3p22.2.
Variant type: single nucleotide variant.
Coding change: c.3568G>A on transcript NM_006514.4 (MANE Select); coding-DNA position 3568, G replaced by A.
Protein change: p.Asp1190Asn; replaces aspartic acid 1190 with asparagine.
Molecular consequence: missense variant.
Genome position (GRCh38, 1-based): chr3:38,718,766, C>T on the plus strand (G>A on the coding strand, the complement: SCN10A is on the minus strand). VCF-style: chr3-38718766-C-T. GRCh37 (hg19) VCF-style: chr3-38760257-C-T.
Other names: c.3565G>A, p.Asp1189Asn (NM_001293306.2); c.3274G>A, p.Asp1092Asn (NM_001293307.2); short protein forms D1092N, D1190N, D1189N.
Identifiers: ClinVar variation 3950882 (VCV003950882.1).